The following is an entry in ClinVar:

NM_001330360.2(POLA1):c.2197A>G (p.Asn733Asp)

Gene: POLA1 (DNA polymerase alpha 1, catalytic subunit; plus strand). Cytogenetic location: Xp22.11.
Variant type: single nucleotide variant.
Coding change: c.2197A>G on transcript NM_001330360.2 (MANE Select); coding-DNA position 2197, A replaced by G.
Protein change: p.Asn733Asp; replaces asparagine 733 with aspartic acid.
Molecular consequence: missense variant.
Genome position (GRCh38, 1-based): chrX:24,739,531, A>G. VCF-style: chrX-24739531-A-G. GRCh37 (hg19) VCF-style: chrX-24757648-A-G.
Other names: c.2122A>G, p.Asn708Asp (NM_001378303.1); c.2179A>G, p.Asn727Asp (NM_016937.4); short protein forms N708D, N733D, N727D.
Identifiers: ClinVar variation 1474113 (VCV001474113.8), dbSNP rs779584272, ClinGen allele CA10373121.

ClinVar aggregate classification (germline): Uncertain significance (1 of 4 stars; one submission).

Allele frequency attached by ClinVar (database versions not stated): ExAC 0.00001; gnomAD exomes 0.00001.

Submission:

Labcorp Genetics (formerly Invitae), Labcorp
Classification: Uncertain significance. Last evaluated: 2020-12-31. Review status: criteria provided, single submitter. Criteria: Invitae Variant Classification Sherloc (09022015). Collection method: clinical testing. Allele origin: germline.
Comment: In summary, the available evidence is currently insufficient to determine the role of this variant in disease. Therefore, it has been classified as a Variant of Uncertain Significance. Algorithms developed to predict the effect of missense changes on protein structure and function output the following: SIFT: "Tolerated"; PolyPhen-2: "Benign"; Align-GVGD: "Class C0". The aspartic acid amino acid residue is found in multiple mammalian species, suggesting that this missense change does not adversely affect protein function. These predictions have not been confirmed by published functional studies and their clinical significance is uncertain. This variant has not been reported in the literature in individuals with POLA1-related conditions. The frequency data for this variant in the population databases is considered unreliable, as metrics indicate poor data quality at this position in the ExAC database. This sequence change replaces asparagine with aspartic acid at codon 727 of the POLA1 protein (p.Asn727Asp). The asparagine residue is moderately conserved and there is a small physicochemical difference between asparagine and aspartic acid.